The following is an entry in ClinVar:

ClinVar aggregate classification (germline): Uncertain significance (1 of 4 stars; one submission).

Submission:

Labcorp Genetics (formerly Invitae), Labcorp
Classification: Uncertain significance. Last evaluated: 2024-03-20. Review status: criteria provided, single submitter. Criteria: Invitae Variant Classification Sherloc (09022015). Collection method: clinical testing. Allele origin: germline.
Comment: This sequence change replaces threonine, which is neutral and polar, with isoleucine, which is neutral and non-polar, at codon 1201 of the ZNF687 protein (p.Thr1201Ile). This variant is not present in population databases (gnomAD no frequency). This variant has not been reported in the literature in individuals affected with ZNF687-related conditions. An algorithm developed to predict the effect of missense changes on protein structure and function (PolyPhen-2) suggests that this variant is likely to be tolerated. In summary, the available evidence is currently insufficient to determine the role of this variant in disease. Therefore, it has been classified as a Variant of Uncertain Significance.

NM_020832.3(ZNF687):c.3602C>T (p.Thr1201Ile)

Gene: ZNF687 (zinc finger protein 687; plus strand). Cytogenetic location: 1q21.3.
Variant type: single nucleotide variant.
Coding change: c.3602C>T on transcript NM_020832.3 (MANE Select); coding-DNA position 3602, C replaced by T.
Protein change: p.Thr1201Ile; replaces threonine 1201 with isoleucine.
Molecular consequence: missense variant.
Genome position (GRCh38, 1-based): chr1:151,291,097, C>T. VCF-style: chr1-151291097-C-T. GRCh37 (hg19) VCF-style: chr1-151263573-C-T.
Other names: c.3602C>T, p.Thr1201Ile (NM_001304763.2, NM_001304764.2); short protein forms T1201I.
Identifiers: ClinVar variation 3647063 (VCV003647063.2).